The following is an entry in ClinVar:

ClinVar aggregate classification (germline): Uncertain significance (1 of 4 stars; one submission).

Allele frequency attached by ClinVar (database versions not stated): gnomAD exomes below 0.00001.
gnomAD v4.1: 2 of 1,614,116 alleles (0.00012%); highest among the groups gnomAD compares: South Asian, 0.0011%; no homozygotes.

Submission:

Labcorp Genetics (formerly Invitae), Labcorp
Classification: Uncertain significance. Last evaluated: 2022-07-19. Review status: criteria provided, single submitter. Criteria: Invitae Variant Classification Sherloc (09022015). Collection method: clinical testing. Allele origin: germline.
Comment: Advanced modeling of protein sequence and biophysical properties (such as structural, functional, and spatial information, amino acid conservation, physicochemical variation, residue mobility, and thermodynamic stability) performed at Invitae indicates that this missense variant is not expected to disrupt FAT4 protein function. In summary, the available evidence is currently insufficient to determine the role of this variant in disease. Therefore, it has been classified as a Variant of Uncertain Significance. ClinVar contains an entry for this variant (Variation ID: 1519711). This variant has not been reported in the literature in individuals affected with FAT4-related conditions. This variant is present in population databases (no rsID available, gnomAD 0.003%). This sequence change replaces lysine, which is basic and polar, with glutamic acid, which is acidic and polar, at codon 3150 of the FAT4 protein (p.Lys3150Glu).

NM_001291303.3(FAT4):c.9454A>G (p.Lys3152Glu)

Gene: FAT4 (FAT atypical cadherin 4; plus strand). Cytogenetic location: 4q28.1.
Variant type: single nucleotide variant.
Coding change: c.9454A>G on transcript NM_001291303.3 (MANE Select); coding-DNA position 9454, A replaced by G.
Protein change: p.Lys3152Glu; replaces lysine 3152 with glutamic acid.
Molecular consequence: missense variant.
Genome position (GRCh38, 1-based): chr4:125,450,464, A>G. VCF-style: chr4-125450464-A-G. GRCh37 (hg19) VCF-style: chr4-126371619-A-G.
Other names: c.9454A>G, p.Lys3152Glu (NM_001291285.3); c.9448A>G, p.Lys3150Glu (NM_024582.6); short protein forms K3150E, K3152E.
Identifiers: ClinVar variation 1519711 (VCV001519711.8), dbSNP rs1308115647, ClinGen allele CA358152129.